The following is an entry in ClinVar:

ClinVar aggregate classification (germline): Uncertain significance (1 of 4 stars; one submission).

Submission:

GeneDx
Classification: Uncertain significance. Last evaluated: 2025-07-17. Review status: criteria provided, single submitter. Criteria: GeneDx Variant Classification Process June 2021. Collection method: clinical testing. Allele origin: germline. Affected: yes.
Comment: Has not been previously published as pathogenic or benign to our knowledge; Not observed at significant frequency in large population cohorts (gnomAD); In silico analysis suggests that this missense variant does not alter protein structure/function

NM_015215.4(CAMTA1):c.1952C>A (p.Ala651Asp)

Gene: CAMTA1 (calmodulin binding transcription activator 1; plus strand). Cytogenetic location: 1p36.23.
Variant type: single nucleotide variant.
Coding change: c.1952C>A on transcript NM_015215.4 (MANE Select); coding-DNA position 1952, C replaced by A.
Protein change: p.Ala651Asp; replaces alanine 651 with aspartic acid.
Molecular consequence: missense variant.
Genome position (GRCh38, 1-based): chr1:7,664,499, C>A. VCF-style: chr1-7664499-C-A. GRCh37 (hg19) VCF-style: chr1-7724559-C-A.
Other names: c.1862C>A, p.Ala621Asp (NM_001349608.2, NM_001349612.2); c.1952C>A, p.Ala651Asp (NM_001349609.2, NM_001349610.2, NM_001410737.1); c.1880C>A, p.Ala627Asp (NM_001410738.1); short protein forms A621D, A627D, A651D.
Identifiers: ClinVar variation 4686513 (VCV004686513.1).